The following is an entry in ClinVar:

NM_001083116.3(PRF1):c.1288G>A (p.Asp430Asn)

Gene: PRF1 (perforin 1; minus strand). Cytogenetic location: 10q22.1.
Variant type: single nucleotide variant.
Coding change: c.1288G>A on transcript NM_001083116.3 (MANE Select); coding-DNA position 1288, G replaced by A.
Protein change: p.Asp430Asn; replaces aspartic acid 430 with asparagine.
Molecular consequence: missense variant.
Genome position (GRCh38, 1-based): chr10:70,598,433, C>T on the plus strand (G>A on the coding strand, the complement: PRF1 is on the minus strand). VCF-style: chr10-70598433-C-T. GRCh37 (hg19) VCF-style: chr10-72358189-C-T.
Other names: c.1288G>A, p.Asp430Asn (NM_005041.6); short protein forms D430N.
Identifiers: ClinVar variation 4854574 (VCV004854574.1).

ClinVar aggregate classification (germline): Uncertain significance (1 of 4 stars; one submission).

Conditions:
Familial hemophagocytic lymphohistiocytosis 2 (FHL2). Also called: PRF1-Related Familial Hemophagocytic Lymphohistiocytosis (PRF1-fHLH). Identifiers: Orphanet 540, MedGen C1863727, MONDO:0011337, OMIM 603553.

Submission:

3billion
Classification: Uncertain significance for Familial hemophagocytic lymphohistiocytosis 2. Last evaluated: 2025-11-27. Review status: criteria provided, single submitter. Criteria: ACMG Guidelines, 2015. Collection method: clinical testing. Allele origin: germline. Affected: yes.
Comment: The variant is not observed in the gnomAD v4.1.0 dataset. Predicted Consequence/Location: Missense variant In silico tool predictions suggest damaging effect of the variant on gene or gene product [REVEL: 0.68 (>=0.6, sensitivity 0.68 and specificity 0.92); 3Cnet: 0.99 (> 0.75, sensitivity 0.96 and precision 0.92)]. A different missense change at the same codon (p.Asp430Tyr) has been reported to be associated with PRF1-related disorder (ClinVar ID: VCV003240204 /PMID: 17525286). However the evidence of pathogenicity is insufficient at this time. Therefore, this variant is classified as VUS according to the recommendation of ACMG/AMP guideline.

Literature cited by the submitters: PubMed 17525286.